The following is an entry in ClinVar:

NM_021008.4(DEAF1):c.1496G>A (p.Arg499Gln)

Genes: DEAF1 (DEAF1 transcription factor; minus strand), LOC126861109 (BRD4-independent group 4 enhancer GRCh37_chr11:673917-675116; plus strand). Cytogenetic location: 11p15.5.
Variant type: single nucleotide variant.
Coding change: c.1496G>A on transcript NM_021008.4 (MANE Select); coding-DNA position 1496, G replaced by A.
Protein change: p.Arg499Gln; replaces arginine 499 with glutamine.
Molecular consequence: missense variant.
Genome position (GRCh38, 1-based): chr11:674,543, C>T on the plus strand (G>A on the coding strand, the complement: DEAF1 is on the minus strand). VCF-style: chr11-674543-C-T. GRCh37 (hg19) VCF-style: chr11-674543-C-T.
Other names: c.1229G>A, p.Arg410Gln (NM_001293634.2); c.770G>A, p.Arg257Gln (NM_001367390.1); short protein forms R410Q, R257Q, R499Q.
Identifiers: ClinVar variation 1970683 (VCV001970683.5), dbSNP rs1475326043, ClinGen allele CA378923092.

ClinVar aggregate classification (germline): Uncertain significance (1 of 4 stars; one submission).

Allele frequency attached by ClinVar (database versions not stated): gnomAD exomes 0.00001; gnomAD 0.00002; TOPMed 0.00002.
gnomAD v4.1: 11 of 1,614,110 alleles (0.00068%); highest among the groups gnomAD compares: African/African-American, 0.004%; no homozygotes.

Submission:

Labcorp Genetics (formerly Invitae), Labcorp
Classification: Uncertain significance. Last evaluated: 2024-12-26. Review status: criteria provided, single submitter. Criteria: Invitae Variant Classification Sherloc (09022015). Collection method: clinical testing. Allele origin: germline.
Comment: This sequence change replaces arginine, which is basic and polar, with glutamine, which is neutral and polar, at codon 499 of the DEAF1 protein (p.Arg499Gln). This variant is present in population databases (no rsID available, gnomAD 0.003%). This variant has not been reported in the literature in individuals affected with DEAF1-related conditions. ClinVar contains an entry for this variant (Variation ID: 1970683). Invitae Evidence Modeling of protein sequence and biophysical properties (such as structural, functional, and spatial information, amino acid conservation, physicochemical variation, residue mobility, and thermodynamic stability) has been performed for this missense variant. However, the output from this modeling did not meet the statistical confidence thresholds required to predict the impact of this variant on DEAF1 protein function. In summary, the available evidence is currently insufficient to determine the role of this variant in disease. Therefore, it has been classified as a Variant of Uncertain Significance.